The following is an entry in ClinVar:

ClinVar aggregate classification (germline): Uncertain significance (1 of 4 stars; one submission).

Submission:

Labcorp Genetics (formerly Invitae), Labcorp
Classification: Uncertain significance. Last evaluated: 2023-07-17. Review status: criteria provided, single submitter. Criteria: Invitae Variant Classification Sherloc (09022015). Collection method: clinical testing. Allele origin: germline.
Comment: This sequence change affects codon 419 of the VARS2 mRNA. It is a 'silent' change, meaning that it does not change the encoded amino acid sequence of the VARS2 protein. This variant is not present in population databases (gnomAD no frequency). This variant has not been reported in the literature in individuals affected with VARS2-related conditions. ClinVar contains an entry for this variant (Variation ID: 1461775). Algorithms developed to predict the effect of sequence changes on RNA splicing suggest that this variant may create or strengthen a splice site. In summary, the available evidence is currently insufficient to determine the role of this variant in disease. Therefore, it has been classified as a Variant of Uncertain Significance.

NM_020442.6(VARS2):c.1167G>T (p.Gly389=)

Gene: VARS2 (valyl-tRNA synthetase 2, mitochondrial; plus strand). Cytogenetic location: 6p21.33.
Variant type: single nucleotide variant.
Coding change: c.1167G>T on transcript NM_020442.6 (MANE Select); coding-DNA position 1167, G replaced by T.
Protein change: p.Gly389=; no amino-acid change (glycine 389 retained).
Molecular consequence: synonymous variant.
Genome position (GRCh38, 1-based): chr6:30,920,090, G>T. VCF-style: chr6-30920090-G-T. GRCh37 (hg19) VCF-style: chr6-30887867-G-T.
Other names: c.747G>T, p.Gly249= (NM_001167733.3); c.1257G>T, p.Gly419= (NM_001167734.2).
Identifiers: ClinVar variation 1461775 (VCV001461775.8), dbSNP rs370243370, ClinGen allele CA449581182.